The following is an entry in ClinVar:

ClinVar aggregate classification (germline): Uncertain significance (1 of 4 stars; one submission).

Conditions:
Hereditary cancer-predisposing syndrome. Also called: Hereditary Cancer Syndrome; Tumor predisposition; Hereditary neoplastic syndrome; Neoplastic Syndromes, Hereditary. Identifiers: Orphanet 140162, MedGen C0027672, MeSH D009386, MONDO:0015356.

Submission:

Ambry Genetics
Classification: Uncertain significance for Hereditary cancer-predisposing syndrome. Last evaluated: 2024-04-01. Review status: criteria provided, single submitter. Criteria: Ambry Variant Classification Scheme 2023. Collection method: clinical testing. Allele origin: germline.
Comment: The p.H502R variant (also known as c.1505A>G), located in coding exon 16 of the CDC73 gene, results from an A to G substitution at nucleotide position 1505. The histidine at codon 502 is replaced by arginine, an amino acid with highly similar properties. This amino acid position is conserved. In addition, the in silico prediction for this alteration is inconclusive. Based on the available evidence, the clinical significance of this alteration remains unclear.

NM_024529.5(CDC73):c.1505A>G (p.His502Arg)

Gene: CDC73 (cell division cycle 73; plus strand). Cytogenetic location: 1q31.2.
Variant type: single nucleotide variant.
Coding change: c.1505A>G on transcript NM_024529.5 (MANE Select); coding-DNA position 1505, A replaced by G.
Protein change: p.His502Arg; replaces histidine 502 with arginine.
Molecular consequence: missense variant.
Genome position (GRCh38, 1-based): chr1:193,249,817, A>G. VCF-style: chr1-193249817-A-G. GRCh37 (hg19) VCF-style: chr1-193218947-A-G.
Other names: short protein forms H502R.
Identifiers: ClinVar variation 3265051 (VCV003265051.1).